The following is an entry in ClinVar:

NM_014946.4(SPAST):c.1607_1609del (p.Gln536del)

Gene: SPAST (spastin; plus strand). Cytogenetic location: 2p22.3.
Variant type: Deletion.
Coding change: c.1607_1609del on transcript NM_014946.4 (MANE Select); coding-DNA positions 1607 to 1609, 3 bases deleted (AAC; older notation c.1607_1609delAAC).
Protein change: p.Gln536del; deletes glutamine 536.
Molecular consequence: inframe deletion.
Genome position (GRCh38, 1-based): chr2:32,143,406-32,143,408, AAC deleted; deleting any 3 consecutive bases within chr2:32,143,404-32,143,408 gives the same sequence; the c. name uses the placement nearest the transcript's 3' end. VCF-style (leftmost placement, unchanged base first): chr2-32143403-CACA-C. GRCh37 (hg19) VCF-style: chr2-32368472-CACA-C.
Other names: c.1607_1609delAAC (NM_014946.4); c.1604_1606del, p.Gln535del (NM_001363823.2); c.1508_1510del, p.Gln503del (NM_001363875.2); c.1511_1513del, p.Gln504del (NM_001377959.1, NM_199436.2); short protein forms Q503del, Q504del, Q535del, Q536del.
Identifiers: ClinVar variation 1299549 (VCV001299549.1), dbSNP rs2148759471, ClinGen allele CA2499215918.

ClinVar aggregate classification (germline): Likely pathogenic (1 of 4 stars; one submission).

Conditions:
Hereditary spastic paraplegia 4. Also called: Spastic paraplegia 4, autosomal dominant; Familial spastic paraplegia autosomal dominant 2; Spastic Paraplegia 4. Identifiers: Orphanet 100985, MedGen C1866855, MONDO:0008438, OMIM 182601.

Submission:

Laboratory of Medical Genetics, National & Kapodistrian University of Athens
Classification: Likely pathogenic for Hereditary spastic paraplegia 4. Last evaluated: 2021-08-10. Review status: criteria provided, single submitter. Criteria: ACMG Guidelines, 2015. Collection method: clinical testing. Allele origin: paternal. Affected: yes.
Comment: PM1, PM2, PM4, PP3

Literature cited by the submitters: PubMed 34008892.